The following is an entry in ClinVar:

NM_173560.4(RFX6):c.1758C>A (p.Ser586Arg)

Genes: RFX6 (regulatory factor X6; plus strand), LOC126859771 (BRD4-independent group 4 enhancer GRCh37_chr6:117246147-117247346; plus strand). Cytogenetic location: 6q22.1.
Variant type: single nucleotide variant.
Coding change: c.1758C>A on transcript NM_173560.4 (MANE Select); coding-DNA position 1758, C replaced by A.
Protein change: p.Ser586Arg; replaces serine 586 with arginine.
Molecular consequence: missense variant.
Genome position (GRCh38, 1-based): chr6:116,925,532, C>A. VCF-style: chr6-116925532-C-A. GRCh37 (hg19) VCF-style: chr6-117246695-C-A.
Other names: short protein forms S586R.
Identifiers: ClinVar variation 3898808 (VCV003898808.2).

ClinVar aggregate classification (germline): Uncertain significance (1 of 4 stars; one submission).

gnomAD v4.1: 6 of 1,613,880 alleles (0.00037%); highest among the groups gnomAD compares: African/African-American, 0.0067%; no homozygotes.

Submission:

GeneDx
Classification: Uncertain significance. Last evaluated: 2025-06-05. Review status: criteria provided, single submitter. Criteria: GeneDx Variant Classification Process June 2021. Collection method: clinical testing. Allele origin: germline.
Comment: In silico analysis suggests that this missense variant does not alter protein structure/function; Has not been previously published as pathogenic or benign to our knowledge